The following is an entry in ClinVar:

NM_177438.3(DICER1):c.3338C>A (p.Ser1113Tyr)

Gene: DICER1 (dicer 1, ribonuclease III; minus strand). Cytogenetic location: 14q32.13.
Variant type: single nucleotide variant.
Coding change: c.3338C>A on transcript NM_177438.3 (MANE Select); coding-DNA position 3338, C replaced by A.
Protein change: p.Ser1113Tyr; replaces serine 1113 with tyrosine.
Molecular consequence: missense variant.
Genome position (GRCh38, 1-based): chr14:95,104,058, G>T on the plus strand (C>A on the coding strand, the complement: DICER1 is on the minus strand). VCF-style: chr14-95104058-G-T. GRCh37 (hg19) VCF-style: chr14-95570395-G-T.
Other names: c.3338C>A, p.Ser1113Tyr (NM_001195573.1, NM_001271282.3, NM_001291628.2 and 1 more transcripts); short protein forms S1113Y.
Identifiers: ClinVar variation 412200 (VCV000412200.22), dbSNP rs143841809, ClinGen allele CA7331052.

ClinVar aggregate classification (germline): Conflicting classifications of pathogenicity. Review status: criteria provided, conflicting classifications (1 of 4 stars). 7 submissions from 7 submitters: Uncertain significance (6); Likely benign (1). Last evaluated 2026-01-12.

Conditions:
DICER1-related disorder. Also called: DICER1-related condition.
Global developmental delay - lung cysts - overgrowth - Wilms tumor syndrome. Also called: GLOBAL DEVELOPMENTAL DELAY, LUNG CYSTS, OVERGROWTH, AND WILMS TUMOR; GLOW Syndrome. Identifiers: Orphanet 404476, MedGen C4748924, MONDO:0018445, OMIM 618272.
DICER1-related tumor predisposition. Also called: DICER1 syndrome; DICER1-related pleuropulmonary blastoma cancer predisposition syndrome. Identifiers: Orphanet 284343, MedGen C3839822, MONDO:0100216.
Hereditary cancer-predisposing syndrome. Also called: Neoplastic Syndromes, Hereditary; Tumor predisposition; Hereditary Cancer Syndrome; Hereditary neoplastic syndrome. Identifiers: Orphanet 140162, MedGen C0027672, MeSH D009386, MONDO:0015356.

Allele frequency attached by ClinVar (database versions not stated): gnomAD exomes 0.00001; gnomAD 0.00005; TOPMed 0.00006; ESP Exome Variant Server 0.00015.
gnomAD v4.1: 19 of 1,613,954 alleles (0.0012%); highest among the groups gnomAD compares: African/African-American, 0.017%; no homozygotes.

Submissions (7):

Labcorp Genetics (formerly Invitae), Labcorp
Classification: Likely benign for DICER1-related tumor predisposition. Last evaluated: 2026-01-12. Review status: criteria provided, single submitter. Criteria: Invitae Variant Classification Sherloc (09022015). Collection method: clinical testing. Allele origin: germline.

PreventionGenetics, part of Exact Sciences
Classification: Uncertain significance for DICER1-related condition. Last evaluated: 2025-12-30. Review status: criteria provided, single submitter. Criteria: ACMG Guidelines, 2015. Collection method: clinical testing. Allele origin: germline.
Comment: The DICER1 c.3338C>A variant is predicted to result in the amino acid substitution p.Ser1113Tyr. To our knowledge, this variant has not been reported in the literature. This variant is reported in 0.020% of alleles in individuals of African descent in gnomAD and has conflicting interpretations in ClinVar ranging from likely benign to uncertain (Variation ID: 412200). Although we suspect that this variant may be benign, at this time, the clinical significance of this variant is uncertain due to the absence of conclusive functional and genetic evidence.

GeneDx
Classification: Uncertain significance. Last evaluated: 2025-06-20. Review status: criteria provided, single submitter. Criteria: GeneDx Variant Classification Process June 2021. Collection method: clinical testing. Allele origin: germline.
Comment: Not observed at significant frequency in large population cohorts (gnomAD); In silico analysis suggests that this missense variant does not alter protein structure/function; Has not been previously published as pathogenic or benign to our knowledge; This variant is associated with the following publications: (PMID: 29338072)

Ambry Genetics
Classification: Uncertain significance for Hereditary cancer-predisposing syndrome. Last evaluated: 2025-03-14. Review status: criteria provided, single submitter. Criteria: Ambry Variant Classification Scheme 2023. Collection method: clinical testing. Allele origin: germline.
Comment: The p.S1113Y variant (also known as c.3338C>A), located in coding exon 20 of the DICER1 gene, results from a C to A substitution at nucleotide position 3338. The serine at codon 1113 is replaced by tyrosine, an amino acid with dissimilar properties. This amino acid position is well conserved in available vertebrate species. In addition, this alteration is predicted to be tolerated by in silico analysis. Since supporting evidence is limited at this time, the clinical significance of this alteration remains unclear.

Baylor Genetics
Classification: Uncertain significance for Global developmental delay - lung cysts - overgrowth - Wilms tumor syndrome. Last evaluated: 2023-11-30. Review status: criteria provided, single submitter. Criteria: ACMG Guidelines, 2015. Collection method: clinical testing. Allele origin: unknown.

Quest Diagnostics Nichols Institute San Juan Capistrano
Classification: Uncertain significance. Last evaluated: 2023-05-23. Review status: criteria provided, single submitter. Criteria: Quest Diagnostics criteria. Collection method: clinical testing. Allele origin: unknown.
Comment: To the best of our knowledge, the variant has not been reported in the published literature. The frequency of this variant in the general population, 0.0002 (5/24800 chromosomes), is uninformative in assessment of its pathogenicity. Analysis of this variant using bioinformatics tools for the prediction of the effect of amino acid changes on protein structure and function yielded predictions that this variant is benign. Based on the available information, we are unable to determine the clinical significance of this variant.

Sema4
Classification: Uncertain significance for Hereditary cancer-predisposing syndrome. Last evaluated: 2021-08-09. Review status: criteria provided, single submitter. Criteria: Sema4 Curation Guidelines. Collection method: curation. Allele origin: germline.
Comment: The DICER1 c.3338C>A (p.S1113Y) variant has not been reported in the literature to our knowledge. It was observed in 5/24800 chromosomes of the African subpopulation in the large and broad cohorts of the Genome Aggregation Database (PMID: 32461654) and has been reported in ClinVar (Variation ID 412200). In silico tools suggest the impact of the variant on protein function is benign, though these predictions have not been confirmed by functional studies. The evidence is insufficient to meet ACMG/AMP criteria for classifying the variant as benign or pathogenic. Thus, the clinical significance of this variant is currently uncertain.